The following is an entry in ClinVar:

ClinVar aggregate classification (germline): Uncertain significance (1 of 4 stars; one submission).

Submission:

GeneDx
Classification: Uncertain significance. Last evaluated: 2022-12-02. Review status: criteria provided, single submitter. Criteria: GeneDx Variant Classification Process June 2021. Collection method: clinical testing. Allele origin: germline. Affected: yes.
Comment: Not observed at significant frequency in large population cohorts (gnomAD); In silico analysis supports that this missense variant has a deleterious effect on protein structure/function; Has not been previously published as pathogenic or benign to our knowledge

NM_006421.5(ARFGEF1):c.3151A>T (p.Ile1051Phe)

Gene: ARFGEF1 (ARF guanine nucleotide exchange factor 1; minus strand). Cytogenetic location: 8q13.2.
Variant type: single nucleotide variant.
Coding change: c.3151A>T on transcript NM_006421.5 (MANE Select); coding-DNA position 3151, A replaced by T.
Protein change: p.Ile1051Phe; replaces isoleucine 1051 with phenylalanine.
Molecular consequence: missense variant. On other transcripts: non-coding transcript variant (1).
Genome position (GRCh38, 1-based): chr8:67,238,481, T>A on the plus strand (A>T on the coding strand, the complement: ARFGEF1 is on the minus strand). VCF-style: chr8-67238481-T-A. GRCh37 (hg19) VCF-style: chr8-68150716-T-A.
Other names: c.3151A>T, p.Ile1051Phe (NM_001413184.1, NM_001413185.1, NM_001413186.1 and 6 more transcripts); c.2551A>T, p.Ile851Phe (NM_001413188.1, NM_001413193.1, NM_001413197.1); c.3145A>T, p.Ile1049Phe (NM_001413190.1); c.1726A>T, p.Ile576Phe (NM_001413196.1); short protein forms I1049F, I1051F, I576F, I851F.
Identifiers: ClinVar variation 2504534 (VCV002504534.1), dbSNP rs2491448664, ClinGen allele CA371206948.